The following is an entry in ClinVar:

ClinVar aggregate classification (germline): Uncertain significance. Review status: criteria provided, multiple submitters, no conflicts (2 of 4 stars). 2 submissions from 2 submitters: Uncertain significance (2). Last evaluated 2023-10-04.

Conditions:
Hereditary nonpolyposis colorectal neoplasms. Identifiers: MedGen C0009405, MeSH D003123.
Hereditary cancer-predisposing syndrome. Also called: Tumor predisposition; Hereditary Cancer Syndrome; Neoplastic Syndromes, Hereditary; Hereditary neoplastic syndrome. Identifiers: Orphanet 140162, MedGen C0027672, MeSH D009386, MONDO:0015356.

Allele frequency attached by ClinVar (database versions not stated): gnomAD exomes below 0.00001.
gnomAD v4.1: 1 of 1,614,196 alleles (0.000062%); highest among the groups gnomAD compares: Non-Finnish European, 0.000085%; no homozygotes.

Submissions (2):

Labcorp Genetics (formerly Invitae), Labcorp
Classification: Uncertain significance for Hereditary nonpolyposis colorectal neoplasms. Last evaluated: 2023-10-04. Review status: criteria provided, single submitter. Criteria: Invitae Variant Classification Sherloc (09022015). Collection method: clinical testing. Allele origin: germline.
Comment: This sequence change replaces valine, which is neutral and non-polar, with leucine, which is neutral and non-polar, at codon 282 of the MSH6 protein (p.Val282Leu). This variant is not present in population databases (gnomAD no frequency). This variant has not been reported in the literature in individuals affected with MSH6-related conditions. ClinVar contains an entry for this variant (Variation ID: 822451). Advanced modeling of protein sequence and biophysical properties (such as structural, functional, and spatial information, amino acid conservation, physicochemical variation, residue mobility, and thermodynamic stability) performed at Invitae indicates that this missense variant is not expected to disrupt MSH6 protein function. In summary, the available evidence is currently insufficient to determine the role of this variant in disease. Therefore, it has been classified as a Variant of Uncertain Significance.

Ambry Genetics
Classification: Uncertain significance for Hereditary cancer-predisposing syndrome. Last evaluated: 2019-12-11. Review status: criteria provided, single submitter. Criteria: Ambry Variant Classification Scheme 2023. Collection method: clinical testing. Allele origin: germline.
Comment: The p.V282L variant (also known as c.844G>T), located in coding exon 4 of the MSH6 gene, results from a G to T substitution at nucleotide position 844. The valine at codon 282 is replaced by leucine, an amino acid with highly similar properties. This amino acid position is not well conserved in available vertebrate species. In addition, this alteration is predicted to be tolerated by in silico analysis. Since supporting evidence is limited at this time, the clinical significance of this alteration remains unclear.

NM_000179.3(MSH6):c.844G>T (p.Val282Leu)

Gene: MSH6 (mutS homolog 6; plus strand). Cytogenetic location: 2p16.3.
Variant type: single nucleotide variant.
Coding change: c.844G>T on transcript NM_000179.3 (MANE Select); coding-DNA position 844, G replaced by T.
Protein change: p.Val282Leu; replaces valine 282 with leucine.
Molecular consequence: missense variant. On other transcripts: 5 prime UTR variant (2).
Genome position (GRCh38, 1-based): chr2:47,798,827, G>T. VCF-style: chr2-47798827-G-T. GRCh37 (hg19) VCF-style: chr2-48025966-G-T.
Other names: c.454G>T, p.Val152Leu (NM_001281492.2); c.-63G>T (NM_001281493.2, NM_001281494.2); short protein forms V152L, V282L.
Identifiers: ClinVar variation 822451 (VCV000822451.10), dbSNP rs1572720532, ClinGen allele CA346740519.